The following is an entry in ClinVar:

ClinVar aggregate classification (germline): Likely benign. Review status: reviewed by expert panel (3 of 4 stars). 3 submissions from 3 submitters: Likely benign (1). 2 of the submissions do not count toward it. Last evaluated 2024-04-18.

Conditions:
Angelman syndrome (AS). Also called: HAPPY PUPPET SYNDROME. Identifiers: Orphanet 72, MedGen C0162635, MONDO:0007113, OMIM 105830. Disease mechanism: loss of function. Inheritance: imprinting disorder, AS is caused by disruption of maternally imprinted UBE3A located within the 15q11.2-q13 Angelman syndrome/Prader-Willi syndrome (AS/PWS) region..

Allele frequency attached by ClinVar (database versions not stated): gnomAD exomes below 0.00001 and 0.00001; ExAC 0.00002; ESP Exome Variant Server 0.00008; gnomAD 0.00008 and 0.00009; TOPMed 0.00008.
gnomAD v4.1: 17 of 1,612,940 alleles (0.0011%); highest among the groups gnomAD compares: African/African-American, 0.022%; no homozygotes.

Submissions (3):

ClinGen Rett and Angelman-like Disorders Variant Curation Expert Panel
Classification: Likely benign for Angelman syndrome. Last evaluated: 2024-04-18. Review status: reviewed by expert panel. Criteria: ClinGen RettAS ACMG Specifications UBE3A V5.0.0. Collection method: curation. Allele origin: germline. Inheritance: Autosomal dominant inheritance.
Comment: The highest population minor allele frequency of the c.2221-20A>G variant in UBE3A (NM_130838.2) in gnomAD v4.1 is 0.0002158 in African/African American sub population, which is higher than the ClinGen Rett and Angelman-like Disorders VCEP threshold (≥0.00008) for BS1, and therefore meets this criterion (BS1). Splice prediction analysis (Splice AI), does not suggest an impact to splicing (BP4). In summary, the c.2221-20A>G variant in UBE3A is classified as likely benign based on the ACMG/AMP criteria (BS1, BP4). (UBE3A Specifications v.5.0; curation approved on 4/18/2024)

Labcorp Genetics (formerly Invitae), Labcorp
Classification: Likely benign for Angelman syndrome. Last evaluated: 2025-12-19. Review status: criteria provided, single submitter. Criteria: Invitae Variant Classification Sherloc (09022015). Collection method: clinical testing. Allele origin: germline. Not counted in ClinVar's aggregate classification.

GeneDx
Classification: Likely benign. Last evaluated: 2016-05-13. Review status: criteria provided, single submitter. Criteria: GeneDx Variant Classification (06012015). Collection method: clinical testing. Allele origin: germline. Affected: yes. Not counted in ClinVar's aggregate classification.
Comment: This variant is considered likely benign or benign based on one or more of the following criteria: it is a conservative change, it occurs at a poorly conserved position in the protein, it is predicted to be benign by multiple in silico algorithms, and/or has population frequency not consistent with disease.

NM_130839.5(UBE3A):c.2281-20A>G

Genes: SNHG14 (small nucleolar RNA host gene 14; plus strand), UBE3A (ubiquitin protein ligase E3A; minus strand). Cytogenetic location: 15q11.2.
Variant type: single nucleotide variant.
Coding change: c.2281-20A>G on transcript NM_130839.5 (MANE Select); 20 bases into the intron before coding-DNA position 2281, A replaced by G.
Molecular consequence: intron variant.
Genome position (GRCh38, 1-based): chr15:25,354,446, T>C on the plus strand (A>G on the coding strand, the complement: UBE3A is on the minus strand). VCF-style: chr15-25354446-T-C. GRCh37 (hg19) VCF-style: chr15-25599593-T-C.
Other names: c.2104-20A>G (NM_001354546.2); c.970-20A>G (NM_001354551.2); c.2056-20A>G (NM_001354549.2); c.2065-20A>G (NM_001354548.2, NM_001354547.2); c.2221-20A>G (NM_130838.4, NM_001354542.2, NM_001354523.2 and 14 more transcripts); c.1030-20A>G (NM_001354550.2); c.2125-20A>G (NM_001354545.2); c.2281-20A>G (NM_001354538.2, NM_001354505.1); and 1 more.
Identifiers: ClinVar variation 386114 (VCV000386114.7), dbSNP rs376920758, ClinGen allele CA7435393.
Genomic context (GRCh38, chr15:25,354,446, plus strand): 5'-TCATATTCTGTAGTTTCTTCTAGTGCTTGGAAATCTAGATTCTGCAAATTCAAGAAAATA[T>C]GTCTTAGTTATCTGCTATACTACTGTATCATTACAAACAATAAATCGATACATGACTTTT-3'